The following is an entry in ClinVar:

NM_001378615.1(CC2D2A):c.1421T>C (p.Leu474Pro)

Genes: CC2D2A (coiled-coil and C2 domain containing 2A; plus strand), FBXL5 (F-box and leucine rich repeat protein 5; minus strand). Cytogenetic location: 4p15.32.
Variant type: single nucleotide variant.
Coding change: c.1421T>C on transcript NM_001378615.1 (MANE Select); coding-DNA position 1421, T replaced by C.
Protein change: p.Leu474Pro; replaces leucine 474 with proline.
Molecular consequence: missense variant.
Genome position (GRCh38, 1-based): chr4:15,528,681, T>C. VCF-style: chr4-15528681-T-C. GRCh37 (hg19) VCF-style: chr4-15530304-T-C.
Other names: c.1421T>C, p.Leu474Pro (NM_001080522.2); c.1274T>C, p.Leu425Pro (NM_001378617.1); short protein forms L425P, L474P.
Identifiers: ClinVar variation 2198515 (VCV002198515.5), dbSNP rs1717642391, ClinGen allele CA356410711.

ClinVar aggregate classification (germline): Uncertain significance. Review status: criteria provided, multiple submitters, no conflicts (2 of 4 stars). 2 submissions from 2 submitters: Uncertain significance (2). Last evaluated 2022-11-22.

Conditions:
Inborn genetic diseases. Identifiers: MedGen C0950123, MeSH D030342.
Joubert syndrome. Also called: JOUBERT-BOLTSHAUSER SYNDROME; Familial aplasia of the vermis. Identifiers: Orphanet 475, MedGen C5979921, MONDO:0018772.
Meckel-Gruber syndrome. Also called: DYSENCEPHALIA SPLANCHNOCYSTICA; GRUBER SYNDROME; Dysencephalia splachnocystica. Identifiers: Orphanet 564, MedGen C0265215, MONDO:0018921.

Allele frequency attached by ClinVar (database versions not stated): gnomAD exomes below 0.00001.
gnomAD v4.1: 1 of 1,613,656 alleles (0.000062%); highest among the groups gnomAD compares: African/African-American, 0.0013%; no homozygotes.

Submissions (2):

Labcorp Genetics (formerly Invitae), Labcorp
Classification: Uncertain significance for Joubert syndrome; Meckel-Gruber syndrome. Last evaluated: 2022-11-22. Review status: criteria provided, single submitter. Criteria: Invitae Variant Classification Sherloc (09022015). Collection method: clinical testing. Allele origin: germline.
Comment: In summary, the available evidence is currently insufficient to determine the role of this variant in disease. Therefore, it has been classified as a Variant of Uncertain Significance. Advanced modeling of protein sequence and biophysical properties (such as structural, functional, and spatial information, amino acid conservation, physicochemical variation, residue mobility, and thermodynamic stability) performed at Invitae indicates that this missense variant is not expected to disrupt CC2D2A protein function. This variant has not been reported in the literature in individuals affected with CC2D2A-related conditions. This variant is not present in population databases (gnomAD no frequency). This sequence change replaces leucine, which is neutral and non-polar, with proline, which is neutral and non-polar, at codon 474 of the CC2D2A protein (p.Leu474Pro).

Ambry Genetics
Classification: Uncertain significance for Inborn genetic diseases. Last evaluated: 2021-09-27. Review status: criteria provided, single submitter. Criteria: Ambry Variant Classification Scheme 2023. Collection method: clinical testing. Allele origin: germline.